The following is an entry in ClinVar:

NM_015046.7(SETX):c.4323G>A (p.Gln1441=)

Gene: SETX (senataxin; minus strand). Cytogenetic location: 9q34.13.
Variant type: single nucleotide variant.
Coding change: c.4323G>A on transcript NM_015046.7 (MANE Select); coding-DNA position 4323, G replaced by A.
Protein change: p.Gln1441=; no amino-acid change (glutamine 1441 retained).
Molecular consequence: synonymous variant.
Genome position (GRCh38, 1-based): chr9:132,327,275, C>T on the plus strand (G>A on the coding strand, the complement: SETX is on the minus strand). VCF-style: chr9-132327275-C-T. GRCh37 (hg19) VCF-style: chr9-135202662-C-T.
Other names: p.Gln1441=; c.4323G>A, p.Gln1441= (NM_001351527.2, NM_001351528.2).
Identifiers: ClinVar variation 1112151 (VCV001112151.11), dbSNP rs180992608, ClinGen allele CA5297222.

ClinVar aggregate classification (germline): Likely benign. Review status: criteria provided, multiple submitters, no conflicts (2 of 4 stars). 2 submissions from 2 submitters: Likely benign (2). Last evaluated 2025-07-14.

Conditions:
Amyotrophic lateral sclerosis type 4 (ALS4). Also called: NEURONOPATHY, DISTAL HEREDITARY MOTOR, WITH PYRAMIDAL FEATURES; AMYOTROPHIC LATERAL SCLEROSIS 4, JUVENILE. Identifiers: Orphanet 357043, MedGen C1865409, MONDO:0011223, OMIM 602433.
Spinocerebellar ataxia, autosomal recessive, with axonal neuropathy 2 (SCAN2). Also called: ATAXIA-OCULOMOTOR APRAXIA 2; Ataxia with Oculomotor Apraxia; Ataxia with Oculomotor Apraxia Type 2; Ataxia-ocular apraxia-2. Identifiers: Orphanet 64753, MedGen C1853761, MONDO:0018996, OMIM 606002.

Allele frequency attached by ClinVar (database versions not stated): gnomAD exomes 0.00002 and 0.00011; gnomAD 0.00004 and 0.00005; TOPMed 0.00005; ExAC 0.00013; 1000 Genomes Project 0.00060; 1000 Genomes Project 30x 0.00062.
gnomAD v4.1: 48 of 1,614,170 alleles (0.003%); highest among the groups gnomAD compares: East Asian, 0.085%; no homozygotes.

Submissions (3):

Mayo Clinic Laboratories, Mayo Clinic
Classification: Likely benign. Last evaluated: 2025-07-14. Review status: criteria provided, single submitter. Criteria: ACMG Guidelines, 2015. Collection method: clinical testing. Allele origin: germline. Observed: 1 variant allele.
Comment: BS1, BP4, BP7

Labcorp Genetics (formerly Invitae), Labcorp
Classification: Likely benign for Amyotrophic lateral sclerosis type 4; Spinocerebellar ataxia, autosomal recessive, with axonal neuropathy 2. Last evaluated: 2025-02-25. Review status: criteria provided, single submitter. Criteria: Invitae Variant Classification Sherloc (09022015). Collection method: clinical testing. Allele origin: germline.

Dr. Peter K. Rogan Lab, Western University
No classification provided (evidence only). Condition: Hepatocellular carcinoma. Review status: no classification provided. Collection method: in vitro. Allele origin: not applicable. Functional consequence: retained intron. Not counted in ClinVar's aggregate classification.